The following is an entry in ClinVar:

ClinVar aggregate classification (germline): Likely pathogenic (1 of 4 stars; one submission).

Conditions:
Spermatogenic failure 34. Identifiers: MedGen C4748403, MONDO:0029148, OMIM 618153.

Submission:

First Genomix Gene Laboratory, Genetic Diagnostics Department
Classification: Likely pathogenic for Spermatogenic failure 34. Last evaluated: 2025-03-20. Review status: criteria provided, single submitter. Criteria: ACMG Guidelines, 2015. Collection method: clinical testing. Allele origin: germline. Inheritance: Autosomal recessive inheritance. Affected: no. Observed: 1 variant allele.

NM_173651.4(FSIP2):c.6313dup (p.Thr2105fs)

Genes: FSIP2 (fibrous sheath interacting protein 2; plus strand), FSIP2-AS1 (FSIP2 antisense RNA 1; minus strand). Cytogenetic location: 2q32.1.
Variant type: Duplication.
Coding change: c.6313dup on transcript NM_173651.4 (MANE Select); coding-DNA position 6313, one base duplicated (A; older notation c.6313dupA).
Protein change: p.Thr2105fs; shifts the reading frame from threonine 2105.
Molecular consequence: frameshift variant.
Genome position (GRCh38, 1-based): chr2:185,793,449, A duplicated; the last of 6 consecutive A bases (chr2:185,793,444-185,793,449); duplicating any one gives the same sequence. VCF-style (leftmost placement, unchanged base first): chr2-185793443-G-GA. GRCh37 (hg19) VCF-style: chr2-186658170-G-GA.
Other names: c.6313dupA (NM_173651.4); short protein forms T2105fs.
Identifiers: ClinVar variation 4845774 (VCV004845774.1).
Genomic context (GRCh38, chr2:185,793,443, plus strand): 5'-CGAAAAGTACTTCAACTTCAAATACAAGATACCATTGAAGGTATCCTATGTGATATTTAT[G>GA]AAAAAACCCTGTTTCAGAATAATCTCTCATTTGCCACACCCACTCTGAAATGTAGCATAG-3'